The following is an entry in ClinVar:

ClinVar aggregate classification (germline): Uncertain significance (1 of 4 stars; one submission).

gnomAD v4.1: 10 of 1,613,976 alleles (0.00062%); highest among the groups gnomAD compares: Non-Finnish European, 0.00085%; no homozygotes.

Submission:

Ambry Genetics
Classification: Uncertain significance. Last evaluated: 2023-06-05. Review status: criteria provided, single submitter. Criteria: Ambry Variant Classification Scheme 2023. Collection method: clinical testing. Allele origin: germline.
Comment: The p.A193S variant (also known as c.577G>T), located in coding exon 3 of the MYLK2 gene, results from a G to T substitution at nucleotide position 577. The alanine at codon 193 is replaced by serine, an amino acid with similar properties. This amino acid position is conserved. In addition, this alteration is predicted to be tolerated by in silico analysis. Since supporting evidence is limited at this time, the clinical significance of this alteration remains unclear.

NM_033118.4(MYLK2):c.577G>T (p.Ala193Ser)

Gene: MYLK2 (myosin light chain kinase 2; plus strand). Cytogenetic location: 20q11.21.
Variant type: single nucleotide variant.
Coding change: c.577G>T on transcript NM_033118.4 (MANE Select); coding-DNA position 577, G replaced by T.
Protein change: p.Ala193Ser; replaces alanine 193 with serine.
Molecular consequence: missense variant.
Genome position (GRCh38, 1-based): chr20:31,821,542, G>T. VCF-style: chr20-31821542-G-T. GRCh37 (hg19) VCF-style: chr20-30409345-G-T.
Other names: short protein forms A193S.
Identifiers: ClinVar variation 2565436 (VCV002565436.2), dbSNP rs1228303561, ClinGen allele CA408525906.